The following is an entry in ClinVar:

NM_001029.5(RPS26):c.73_76del (p.Asn25fs)

Gene: RPS26 (ribosomal protein S26; plus strand). Cytogenetic location: 12q13.2.
Variant type: Deletion.
Coding change: c.73_76del on transcript NM_001029.5 (MANE Select); coding-DNA positions 73 to 76, 4 bases deleted (AACT; older notation c.73_76delAACT).
Protein change: p.Asn25fs; shifts the reading frame from asparagine 25.
Molecular consequence: frameshift variant.
Genome position (GRCh38, 1-based): chr12:56,042,494-56,042,497, AACT deleted; deleting any 4 consecutive bases within chr12:56,042,491-56,042,497 gives the same sequence; the c. name uses the placement nearest the transcript's 3' end. VCF-style (leftmost placement, unchanged base first): chr12-56042490-CACTA-C. GRCh37 (hg19) VCF-style: chr12-56436274-CACTA-C.
Other names: short protein forms N25fs.
Identifiers: ClinVar variation 1356399 (VCV001356399.12), dbSNP rs2136753850, ClinGen allele CA645585065.
Genomic context (GRCh38, chr12:56,042,490, plus strand): 5'-GAAAAGAAGGAACAATGGTCGTGCCAAAAAGGGCCGCGGCCACGTGCAGCCTATTCGCTG[CACTA>C]ACTGTGCCCGATGCGTGCCCAAGGACAAGGCCATTAAGAAATTCGTCATTCGAAACATAG-3'

ClinVar aggregate classification (germline): Pathogenic/Likely pathogenic. Review status: criteria provided, multiple submitters, no conflicts (2 of 4 stars). 4 submissions from 4 submitters: Pathogenic (3); Likely pathogenic (1). Last evaluated 2025-12-17.

Conditions:
Diamond-Blackfan anemia. Also called: Blackfan Diamond syndrome; Aregenerative anemia chronic congenital; Red cell aplasia, pure hereditary; Congenital hypoplastic anemia; Aase syndrome. Identifiers: Orphanet 124, MedGen C1260899, MeSH D029503, MONDO:0015253, HP:0004810.
Diamond-Blackfan anemia 10 (DBA10). Also called: RPS26-Related Diamond-Blackfan Anemia. Identifiers: Orphanet 124, MedGen C2750080, MONDO:0013217, OMIM 613309.
RPS26-related disorder. Also called: RPS26-related condition.

Submissions (4):

PreventionGenetics, part of Exact Sciences
Classification: Pathogenic for RPS26-related condition. Last evaluated: 2025-12-17. Review status: criteria provided, single submitter. Criteria: ACMG Guidelines, 2015. Collection method: clinical testing. Allele origin: germline.
Comment: The RPS26 c.73_76delAACT variant is predicted to result in a frameshift and premature protein termination (p.Asn25Valfs*19). This variant has been reported in individuals with Diamond-Blackfan anemia (Table S2, Gianferante et al. 2024. PubMed ID: 39691264). This variant is not reported in a large population database (gnomAD), indicating this variant is rare. Frameshift variants in RPS26 are expected to be pathogenic. This variant is interpreted as pathogenic.

Labcorp Genetics (formerly Invitae), Labcorp
Classification: Pathogenic for Diamond-Blackfan anemia 10. Last evaluated: 2024-10-20. Review status: criteria provided, single submitter. Criteria: Invitae Variant Classification Sherloc (09022015). Collection method: clinical testing. Allele origin: germline.
Comment: This sequence change creates a premature translational stop signal (p.Asn25Valfs*19) in the RPS26 gene. It is expected to result in an absent or disrupted protein product. Loss-of-function variants in RPS26 are known to be pathogenic (PMID: 20116044, 23718193). This variant is not present in population databases (gnomAD no frequency). This variant has not been reported in the literature in individuals affected with RPS26-related conditions. ClinVar contains an entry for this variant (Variation ID: 1356399). For these reasons, this variant has been classified as Pathogenic.

Revvity Omics, Revvity
Classification: Likely pathogenic for Diamond-Blackfan anemia 10. Last evaluated: 2022-09-02. Review status: criteria provided, single submitter. Criteria: ACMG Guidelines, 2015. Collection method: clinical testing. Allele origin: germline.

Ambry Genetics
Classification: Pathogenic for Diamond-Blackfan anemia. Last evaluated: 2016-12-15. Review status: criteria provided, single submitter. Criteria: Ambry Variant Classification Scheme 2023. Collection method: clinical testing. Allele origin: germline.
Comment: The c.73_76delAACT pathogenic mutation, located in coding exon 2 of the RPS26 gene, results from a deletion of 4 nucleotides at nucleotide positions 73 to 76, causing a translational frameshift with a predicted alternate stop codon (p.N25Vfs*19). This alteration is expected to result in loss of function by premature protein truncation or nonsense-mediated mRNA decay. As such, this alteration is interpreted as a disease-causing mutation.

Literature cited by the submitters: PubMed 20116044 (cited by Labcorp Genetics (formerly Invitae), Labcorp); PubMed 23718193 (cited by Labcorp Genetics (formerly Invitae), Labcorp).